The following is an entry in ClinVar:

NM_001270974.2(HYDIN):c.6513C>T (p.His2171=)

Gene: HYDIN (HYDIN axonemal central pair apparatus protein; minus strand). Cytogenetic location: 16q22.2.
Variant type: single nucleotide variant.
Coding change: c.6513C>T on transcript NM_001270974.2 (MANE Select); coding-DNA position 6513, C replaced by T.
Protein change: p.His2171=; no amino-acid change (histidine 2171 retained).
Molecular consequence: synonymous variant.
Genome position (GRCh38, 1-based): chr16:70,952,439, G>A on the plus strand (C>T on the coding strand, the complement: HYDIN is on the minus strand). VCF-style: chr16-70952439-G-A. GRCh37 (hg19) VCF-style: chr16-70986342-G-A.
Identifiers: ClinVar variation 2646757 (VCV002646757.24), dbSNP rs2507110866, ClinGen allele CA496247505.
Genomic context (GRCh38, chr16:70,952,439, plus strand): 5'-AGGAAGATCCCAGCCCTTCTGCGGTAGAGCCCTGATTTGTACCTGTGGTGTTTCAGACTG[G>A]TGTGAGTGATGCTGCTTCTGTGACCCGGAGCCATGGCTGTCTGCCTTGCTTTTGGTGATC-3'
Protein context (NP_001257903.1, residues 2161-2181): GSGSQKQHHS[His2171=]QSETPQISSS

ClinVar aggregate classification (germline): Likely benign (1 of 4 stars; one submission).

Submission:

CeGaT Center for Human Genetics Tuebingen
Classification: Likely benign. Last evaluated: 2022-07-01. Review status: criteria provided, single submitter. Criteria: CeGaT Center For Human Genetics Tuebingen Variant Classification Criteria Version 2. Collection method: clinical testing. Allele origin: germline. Affected: yes. Observed: 1 variant allele.
Comment: HYDIN: PM2:Supporting, BP4, BP7